The following is an entry in ClinVar:

ClinVar aggregate classification (germline): Uncertain significance (1 of 4 stars; one submission).

Conditions:
Pulmonary hypertension, primary, 4. Identifiers: Orphanet 422, MedGen C3809198, MONDO:0014136, OMIM 615344.

gnomAD v4.1: 1 of 1,590,578 alleles (0.000063%); highest among the groups gnomAD compares: Non-Finnish European, 0.000086%; no homozygotes.

Submission:

Labcorp Genetics (formerly Invitae), Labcorp
Classification: Uncertain significance for Pulmonary hypertension, primary, 4. Last evaluated: 2025-01-08. Review status: criteria provided, single submitter. Criteria: Invitae Variant Classification Sherloc (09022015). Collection method: clinical testing. Allele origin: germline.
Comment: This sequence change replaces phenylalanine, which is neutral and non-polar, with cysteine, which is neutral and slightly polar, at codon 296 of the KCNK3 protein (p.Phe296Cys). This variant is present in population databases (no rsID available, gnomAD 0.001%). This variant has not been reported in the literature in individuals affected with KCNK3-related conditions. Invitae Evidence Modeling of protein sequence and biophysical properties (such as structural, functional, and spatial information, amino acid conservation, physicochemical variation, residue mobility, and thermodynamic stability) indicates that this missense variant is not expected to disrupt KCNK3 protein function with a negative predictive value of 80%. In summary, the available evidence is currently insufficient to determine the role of this variant in disease. Therefore, it has been classified as a Variant of Uncertain Significance.

NM_002246.3(KCNK3):c.887T>G (p.Phe296Cys)

Gene: KCNK3 (potassium two pore domain channel subfamily K member 3; plus strand). Cytogenetic location: 2p23.3.
Variant type: single nucleotide variant.
Coding change: c.887T>G on transcript NM_002246.3 (MANE Select); coding-DNA position 887, T replaced by G.
Protein change: p.Phe296Cys; replaces phenylalanine 296 with cysteine.
Molecular consequence: missense variant.
Genome position (GRCh38, 1-based): chr2:26,728,270, T>G. VCF-style: chr2-26728270-T-G. GRCh37 (hg19) VCF-style: chr2-26951138-T-G.
Other names: short protein forms F296C.
Identifiers: ClinVar variation 3668505 (VCV003668505.2).
Genomic context (GRCh38, chr2:26,728,270, plus strand): 5'-GTGGCAGCGCGCACACTACGGACACCGCCTCATCCACGGCGGCAGCGGGCGGCGGCGGCT[T>G]CCGCAACGTCTACGCGGAGGTGCTGCACTTCCAGTCCATGTGCTCGTGCCTGTGGTACAA-3'
Protein context (NP_002237.1, residues 286-306): SSTAAAGGGG[Phe296Cys]RNVYAEVLHF